The following is an entry in ClinVar:

ClinVar aggregate classification (germline): Uncertain significance. Review status: criteria provided, multiple submitters, no conflicts (2 of 4 stars). 2 submissions from 2 submitters: Uncertain significance (2). Last evaluated 2023-07-10.

Allele frequency attached by ClinVar (database versions not stated): gnomAD exomes below 0.00001; gnomAD 0.00001.
gnomAD v4.1: 4 of 1,601,924 alleles (0.00025%); highest among the groups gnomAD compares: Middle Eastern, 0.017%; no homozygotes.

Submissions (2):

Blueprint Genetics
Classification: Uncertain significance. Last evaluated: 2023-07-10. Review status: criteria provided, single submitter. Criteria: ACMG Guidelines, 2015. Collection method: clinical testing. Allele origin: germline.

Labcorp Genetics (formerly Invitae), Labcorp
Classification: Uncertain significance. Last evaluated: 2022-05-21. Review status: criteria provided, single submitter. Criteria: Invitae Variant Classification Sherloc (09022015). Collection method: clinical testing. Allele origin: germline.
Comment: In summary, the available evidence is currently insufficient to determine the role of this variant in disease. Therefore, it has been classified as a Variant of Uncertain Significance. Algorithms developed to predict the effect of missense changes on protein structure and function are either unavailable or do not agree on the potential impact of this missense change (SIFT: "Tolerated"; PolyPhen-2: "Probably Damaging"; Align-GVGD: "Class C0"). This variant has not been reported in the literature in individuals affected with VPS13C-related conditions. This variant is not present in population databases (gnomAD no frequency). This sequence change replaces asparagine, which is neutral and polar, with serine, which is neutral and polar, at codon 642 of the VPS13C protein (p.Asn642Ser).

NM_020821.3(VPS13C):c.1925A>G (p.Asn642Ser)

Gene: VPS13C (vacuolar protein sorting 13 homolog C; minus strand). Cytogenetic location: 15q22.2.
Variant type: single nucleotide variant.
Coding change: c.1925A>G on transcript NM_020821.3 (MANE Select); coding-DNA position 1925, A replaced by G.
Protein change: p.Asn642Ser; replaces asparagine 642 with serine.
Molecular consequence: missense variant.
Genome position (GRCh38, 1-based): chr15:61,982,563, T>C on the plus strand (A>G on the coding strand, the complement: VPS13C is on the minus strand). VCF-style: chr15-61982563-T-C. GRCh37 (hg19) VCF-style: chr15-62274762-T-C.
Other names: c.1925A>G, p.Asn642Ser (NM_001018088.3); c.1796A>G, p.Asn599Ser (NM_017684.5, NM_018080.4); short protein forms N642S, N599S.
Identifiers: ClinVar variation 2048489 (VCV002048489.5), dbSNP rs2045920108, ClinGen allele CA392681603.
Genomic context (GRCh38, chr15:61,982,563, plus strand): 5'-GCTGATGTTATTTGCTCAAGATCCAATCCCTTATTTGATTGAAAGAATTCAACCACTGCA[T>C]TGACAGTTTTCTATAAGAAAATTTTTTTAACATAACCAAGTTACACATGGTTCTTTCCAT-3'
Protein context (NP_065872.1, residues 632-652): VEVIYDAKTV[Asn642Ser]AVVEFFQSNK